The following is an entry in ClinVar:

ClinVar aggregate classification (germline): Uncertain significance. Review status: criteria provided, multiple submitters, no conflicts (2 of 4 stars). 3 submissions from 3 submitters: Uncertain significance (3). Last evaluated 2026-07-09.

Conditions:
Hereditary cancer-predisposing syndrome. Also called: Hereditary neoplastic syndrome; Hereditary Cancer Syndrome; Neoplastic Syndromes, Hereditary; Tumor predisposition. Identifiers: Orphanet 140162, MedGen C0027672, MeSH D009386, MONDO:0015356.
Renal cell carcinoma. Identifiers: Orphanet 217071, MedGen C0007134, MeSH D002292, MONDO:0005086, HP:0005584.

Allele frequency attached by ClinVar (database versions not stated): TOPMed below 0.00001; gnomAD exomes 0.00002.
gnomAD v4.1: 17 of 1,613,882 alleles (0.0011%); highest among the groups gnomAD compares: Non-Finnish European, 0.0014%; no homozygotes.

Submissions (3):

Ambry Genetics
Classification: Uncertain significance for Hereditary cancer-predisposing syndrome. Last evaluated: 2026-07-09. Review status: criteria provided, single submitter. Criteria: Ambry Variant Classification Scheme 2023. Collection method: clinical testing. Allele origin: germline.
Comment: The p.F1186S variant (also known as c.3557T>C), located in coding exon 16 of the MET gene, results from a T to C substitution at nucleotide position 3557. The phenylalanine at codon 1186 is replaced by serine, an amino acid with highly dissimilar properties. This amino acid position is highly conserved in available vertebrate species. In addition, this alteration is predicted to be deleterious by in silico analysis. Based on the available evidence, the clinical significance of this variant remains unclear.

Labcorp Genetics (formerly Invitae), Labcorp
Classification: Uncertain significance for Renal cell carcinoma. Last evaluated: 2025-09-16. Review status: criteria provided, single submitter. Criteria: Invitae Variant Classification Sherloc (09022015). Collection method: clinical testing. Allele origin: germline.
Comment: This sequence change replaces phenylalanine, which is neutral and non-polar, with serine, which is neutral and polar, at codon 1186 of the MET protein (p.Phe1186Ser). This variant is not present in population databases (gnomAD no frequency). This variant has not been reported in the literature in individuals affected with MET-related conditions. ClinVar contains an entry for this variant (Variation ID: 2574182). Invitae Evidence Modeling of protein sequence and biophysical properties (such as structural, functional, and spatial information, amino acid conservation, physicochemical variation, residue mobility, and thermodynamic stability) indicates that this missense variant is expected to disrupt MET protein function with a positive predictive value of 80%. In summary, the available evidence is currently insufficient to determine the role of this variant in disease. Therefore, it has been classified as a Variant of Uncertain Significance.

GeneDx
Classification: Uncertain significance. Last evaluated: 2023-01-31. Review status: criteria provided, single submitter. Criteria: GeneDx Variant Classification Process June 2021. Collection method: clinical testing. Allele origin: germline. Affected: yes.
Comment: Not observed at significant frequency in large population cohorts (gnomAD); In silico analysis supports that this missense variant has a deleterious effect on protein structure/function; Has not been previously published as pathogenic or benign to our knowledge

NM_000245.4(MET):c.3503T>C (p.Phe1168Ser)

Gene: MET (MET proto-oncogene, receptor tyrosine kinase; plus strand). Cytogenetic location: 7q31.2.
Variant type: single nucleotide variant.
Coding change: c.3503T>C on transcript NM_000245.4 (MANE Select); coding-DNA position 3503, T replaced by C.
Protein change: p.Phe1168Ser; replaces phenylalanine 1168 with serine.
Molecular consequence: missense variant.
Genome position (GRCh38, 1-based): chr7:116,778,938, T>C. VCF-style: chr7-116778938-T-C. GRCh37 (hg19) VCF-style: chr7-116418992-T-C.
Other names: c.3557T>C, p.Phe1186Ser (NM_001127500.3); c.2213T>C, p.Phe738Ser (NM_001324402.2); short protein forms F1168S, F1186S, F738S.
Identifiers: ClinVar variation 2574182 (VCV002574182.6), dbSNP rs1423699789, ClinGen allele CA368990324.